The following is an entry in ClinVar:

ClinVar aggregate classification (germline): Conflicting classifications of pathogenicity. Review status: criteria provided, conflicting classifications (1 of 4 stars). 6 submissions from 6 submitters: Uncertain significance (4); Likely benign (1). 1 of the submissions does not count toward it. Last evaluated 2024-05-07.

Conditions:
Inborn genetic diseases. Identifiers: MedGen C0950123, MeSH D030342.
Retinal dystrophy. Also called: Inherited retinal dystrophy. Identifiers: Orphanet 71862, MedGen C0854723, MeSH D058499, MONDO:0019118, HP:0000556.

Allele frequency attached by ClinVar (database versions not stated): TOPMed 0.00006; ESP Exome Variant Server 0.00008; gnomAD 0.00008 and 0.00010; 1000 Genomes Project 30x 0.00016; gnomAD exomes 0.00016; ExAC 0.00017; 1000 Genomes Project 0.00020.
gnomAD v4.1: 107 of 1,612,608 alleles (0.0066%); highest among the groups gnomAD compares: South Asian, 0.077%; no homozygotes.

Submissions (6):

Blueprint Genetics
Classification: Uncertain significance. Last evaluated: 2024-05-07. Review status: criteria provided, single submitter. Criteria: ACMG Guidelines, 2015. Collection method: clinical testing. Allele origin: germline.

Labcorp Genetics (formerly Invitae), Labcorp
Classification: Likely benign. Last evaluated: 2024-03-03. Review status: criteria provided, single submitter. Criteria: Invitae Variant Classification Sherloc (09022015). Collection method: clinical testing. Allele origin: germline.

Ambry Genetics
Classification: Uncertain significance for Inborn genetic diseases. Last evaluated: 2023-03-14. Review status: criteria provided, single submitter. Criteria: Ambry Variant Classification Scheme 2023. Collection method: clinical testing. Allele origin: germline.

GeneDx
Classification: Uncertain significance. Last evaluated: 2023-01-31. Review status: criteria provided, single submitter. Criteria: GeneDx Variant Classification Process June 2021. Collection method: clinical testing. Allele origin: germline. Affected: yes.
Comment: In silico analysis, which includes protein predictors and evolutionary conservation, supports that this variant does not alter protein structure/function; Identified in the heterozygous state in a patient with hearing loss in published literature (Kotecha et al., 2019)

Eurofins Ntd Llc (ga)
Classification: Uncertain significance. Last evaluated: 2017-03-28. Review status: criteria provided, single submitter. Criteria: EGL Classification Definitions 2015. Collection method: clinical testing. Allele origin: germline. Observed: 1 variant allele, 1 heterozygote.

Institute of Human Genetics, Univ. Regensburg, Univ. Regensburg
Classification: Uncertain significance for Retinal dystrophy. Last evaluated: 2023-01-01. Review status: no assertion criteria provided. Criteria: ACMG Guidelines, 2015. Collection method: clinical testing. Allele origin: germline. Affected: yes. Not counted in ClinVar's aggregate classification.

NM_206933.4(USH2A):c.7168G>A (p.Gly2390Arg)

Gene: USH2A (usherin; minus strand). Cytogenetic location: 1q41.
Variant type: single nucleotide variant.
Coding change: c.7168G>A on transcript NM_206933.4 (MANE Select); coding-DNA position 7168, G replaced by A.
Protein change: p.Gly2390Arg; replaces glycine 2390 with arginine.
Molecular consequence: missense variant.
Genome position (GRCh38, 1-based): chr1:215,934,748, C>T on the plus strand (G>A on the coding strand, the complement: USH2A is on the minus strand). VCF-style: chr1-215934748-C-T. GRCh37 (hg19) VCF-style: chr1-216108090-C-T.
Other names: short protein forms G2390R.
Identifiers: ClinVar variation 501108 (VCV000501108.23), dbSNP rs376983577, ClinGen allele CA1394923.